The following is an entry in ClinVar:

NM_003476.5(CSRP3):c.385G>T (p.Ala129Ser)

Gene: CSRP3 (cysteine and glycine rich protein 3; minus strand). Cytogenetic location: 11p15.1.
Variant type: single nucleotide variant.
Coding change: c.385G>T on transcript NM_003476.5 (MANE Select); coding-DNA position 385, G replaced by T.
Protein change: p.Ala129Ser; replaces alanine 129 with serine.
Molecular consequence: missense variant.
Genome position (GRCh38, 1-based): chr11:19,186,245, C>A on the plus strand (G>T on the coding strand, the complement: CSRP3 is on the minus strand). VCF-style: chr11-19186245-C-A. GRCh37 (hg19) VCF-style: chr11-19207792-C-A.
Other names: c.385G>T, p.Ala129Ser (NM_001127656.1); c.216G>T, p.Met72Ile (NM_001369404.1); c.385G>T (NM_003476.4); short protein forms M72I, A129S.
Identifiers: ClinVar variation 2936215 (VCV002936215.4), dbSNP rs2494220237, ClinGen allele CA379887884.

ClinVar aggregate classification (germline): Uncertain significance. Review status: criteria provided, multiple submitters, no conflicts (2 of 4 stars). 2 submissions from 2 submitters: Uncertain significance (2). Last evaluated 2026-09-21.

Conditions:
Dilated cardiomyopathy 1M (CMD1M). Identifiers: Orphanet 154, MedGen C1843808, MONDO:0011840, OMIM 607482.
Hypertrophic cardiomyopathy 12. Identifiers: MedGen C2677491, MONDO:0012804, OMIM 612124.
Cardiovascular phenotype. Identifiers: MedGen CN230736.

Submissions (2):

Molecular Diagnostic Laboratory for Inherited Cardiovascular Disease, Montreal Heart Institute
Classification: Uncertain significance for Cardiovascular phenotype. Last evaluated: 2026-09-21. Review status: criteria provided, single submitter. Criteria: ACMG Guidelines, 2015. Collection method: clinical testing. Allele origin: germline. Affected: yes.
Comment: PM2

Labcorp Genetics (formerly Invitae), Labcorp
Classification: Uncertain significance for Hypertrophic cardiomyopathy 12; Dilated cardiomyopathy 1M. Last evaluated: 2023-11-25. Review status: criteria provided, single submitter. Criteria: Invitae Variant Classification Sherloc (09022015). Collection method: clinical testing. Allele origin: germline.
Comment: This sequence change replaces alanine, which is neutral and non-polar, with serine, which is neutral and polar, at codon 129 of the CSRP3 protein (p.Ala129Ser). This variant is not present in population databases (gnomAD no frequency). This variant has not been reported in the literature in individuals affected with CSRP3-related conditions. An algorithm developed to predict the effect of missense changes on protein structure and function (PolyPhen-2) suggests that this variant is likely to be disruptive. In summary, the available evidence is currently insufficient to determine the role of this variant in disease. Therefore, it has been classified as a Variant of Uncertain Significance.